The following is an entry in ClinVar:

NM_000053.4(ATP7B):c.3824T>C (p.Leu1275Ser)

Gene: ATP7B (ATPase copper transporting beta; minus strand). Cytogenetic location: 13q14.3.
Variant type: single nucleotide variant.
Coding change: c.3824T>C on transcript NM_000053.4 (MANE Select); coding-DNA position 3824, T replaced by C.
Protein change: p.Leu1275Ser; replaces leucine 1275 with serine.
Molecular consequence: missense variant. On other transcripts: intron variant (1).
Genome position (GRCh38, 1-based): chr13:51,937,555, A>G on the plus strand (T>C on the coding strand, the complement: ATP7B is on the minus strand). VCF-style: chr13-51937555-A-G. GRCh37 (hg19) VCF-style: chr13-52511691-A-G.
Other names: c.3203T>C, p.Leu1068Ser (NM_001005918.3); c.3491T>C, p.Leu1164Ser (NM_001243182.2); c.3590T>C, p.Leu1197Ser (NM_001330578.2, NM_001406527.1, NM_001406528.1); c.3680T>C, p.Leu1227Ser (NM_001406520.1, NM_001406521.1, NM_001406522.1); c.3641T>C, p.Leu1214Ser (NM_001406523.1); c.3647T>C, p.Leu1216Ser (NM_001406524.1); c.3629T>C, p.Leu1210Ser (NM_001406525.1); c.3584T>C, p.Leu1195Ser (NM_001406530.1); and 21 more; short protein forms L1048S, L1059S, L1068S, L1081S, L1111S, L1113S, L1126S, L1132S.
Identifiers: ClinVar variation 3056549 (VCV003056549.5), dbSNP rs1957044307, ClinGen allele CA388021857.

ClinVar aggregate classification (germline): Likely pathogenic. Review status: criteria provided, multiple submitters, no conflicts (2 of 4 stars). 3 submissions from 3 submitters: Likely pathogenic (2). 1 of the submissions does not count toward it. Last evaluated 2024-09-29.

Conditions:
ATP7B-related disorder. Also called: ATP7B-related condition.
Wilson disease (WND). Also called: Wilson's disease. Identifiers: Orphanet 905, MedGen C0019202, MONDO:0010200, OMIM 277900. Disease mechanism: loss of function.

Allele frequency attached by ClinVar (database versions not stated): gnomAD 0.00001.
gnomAD v4.1: 1 of 1,614,126 alleles (0.000062%); highest among the groups gnomAD compares: Admixed American, 0.0017%; no homozygotes.

Submissions (3):

Natera, Inc.
Classification: Likely pathogenic for Wilson disease. Last evaluated: 2024-09-29. Review status: criteria provided, single submitter. Criteria: Natera Variant Classification Schema (03/2026). Collection method: clinical testing. Allele origin: germline.
Comment: The c.3824T>C variant in ATP7B is a missense variant predicted to cause substitution of leucine to serine at amino acid 1275. This variant is rare in the general population with a frequency below the threshold expected for the associated phenotype(s). This variant has been observed in one or more individuals affected with the associated recessive disease, as either homozygous or compound heterozygous with a second variant (PMID: 38847512). This variant has been identified in one or more affected individuals with a phenotype highly consistent with the associated gene (PMID: 38847512). Computational prediction algorithms indicate this variant is likely to affect gene or protein function. Given the available evidence, this variant is classified as Likely Pathogenic.

Juno Genomics, Hangzhou Juno Genomics, Inc
Classification: Likely pathogenic for Wilson disease. Review status: criteria provided, single submitter. Criteria: ACMG Guidelines, 2015. Collection method: clinical testing. Allele origin: germline.
Comment: Absent from controls (or at extremely low frequency if recessive) in Genome Aggregation Database.;Multiple lines of computational evidence support a deleterious effect on the gene or gene product.;For recessive disorders, detected in trans with a pathogenic variant.

PreventionGenetics, part of Exact Sciences
Classification: Uncertain significance for ATP7B-related condition. Last evaluated: 2024-01-03. Review status: no assertion criteria provided. Collection method: clinical testing. Allele origin: germline. Not counted in ClinVar's aggregate classification.
Comment: The ATP7B c.3824T>C variant is predicted to result in the amino acid substitution p.Leu1275Ser. This variant has been reported in individuals diagnosed with Wilson disease, though limited clinical information was provided (Zhang et al. 2016. PubMed ID: 27706781; Li et al. 2021. PubMed ID 34470610). This variant has not been reported in a large population database, indicating this variant is rare. At this time, the clinical significance of this variant is uncertain due to the absence of conclusive functional and genetic evidence.

Literature cited by the submitters: PubMed 38847512 (cited by Natera, Inc.).